The following is an entry in ClinVar:

NM_001999.4(FBN2):c.5983G>A (p.Gly1995Ser)

Gene: FBN2 (fibrillin 2; minus strand). Cytogenetic location: 5q23.3.
Variant type: single nucleotide variant.
Coding change: c.5983G>A on transcript NM_001999.4 (MANE Select); coding-DNA position 5983, G replaced by A.
Protein change: p.Gly1995Ser; replaces glycine 1995 with serine.
Molecular consequence: missense variant.
Genome position (GRCh38, 1-based): chr5:128,301,445, C>T on the plus strand (G>A on the coding strand, the complement: FBN2 is on the minus strand). VCF-style: chr5-128301445-C-T. GRCh37 (hg19) VCF-style: chr5-127637137-C-T.
Other names: short protein forms G1995S.
Identifiers: ClinVar variation 1302265 (VCV001302265.11), dbSNP rs145588052, ClinGen allele CA3394533.

ClinVar aggregate classification (germline): Conflicting classifications of pathogenicity. Review status: criteria provided, conflicting classifications (1 of 4 stars). 3 submissions from 3 submitters: Uncertain significance (2); Benign (1). Last evaluated 2025-11-10.

Conditions:
Congenital contractural arachnodactyly (CCA). Also called: Arthrogryposis, distal, type 9; BEALS SYNDROME; Beals-Hecht syndrome. Identifiers: Orphanet 115, MedGen C0220668, MONDO:0007363, OMIM 121050.
Macular degeneration, early-onset (EOMD). Identifiers: MedGen C4015286, MONDO:0014501, OMIM 616118.

Allele frequency attached by ClinVar (database versions not stated): gnomAD exomes 0.00001 and 0.00003; ExAC 0.00004; TOPMed 0.00009; gnomAD 0.00010; ESP Exome Variant Server 0.00015; 1000 Genomes Project 30x 0.00031; 1000 Genomes Project 0.00040.
gnomAD v4.1: 27 of 1,613,050 alleles (0.0017%); highest among the groups gnomAD compares: African/African-American, 0.035%; no homozygotes.

Submissions (3):

Labcorp Genetics (formerly Invitae), Labcorp
Classification: Benign for Congenital contractural arachnodactyly. Last evaluated: 2025-11-10. Review status: criteria provided, single submitter. Criteria: Invitae Variant Classification Sherloc (09022015). Collection method: clinical testing. Allele origin: germline.

GeneDx
Classification: Uncertain significance. Last evaluated: 2023-12-07. Review status: criteria provided, single submitter. Criteria: GeneDx Variant Classification Process June 2021. Collection method: clinical testing. Allele origin: germline. Affected: yes.
Comment: Has not been previously published as pathogenic or benign to our knowledge; In silico analysis supports that this missense variant has a deleterious effect on protein structure/function; Although located in a calcium-binding EGF-like domain of the FBN2 gene, it does not substitute or introduce a cysteine residue (PMID: 19006240, 18767143); This variant is associated with the following publications: (PMID: 19006240, 18767143)

Fulgent Genetics
Classification: Uncertain significance for Congenital contractural arachnodactyly; Macular degeneration, early-onset. Last evaluated: 2021-10-14. Review status: criteria provided, single submitter. Criteria: ACMG Guidelines, 2015. Collection method: clinical testing. Allele origin: unknown.